The following is an entry in ClinVar:

ClinVar aggregate classification (germline): Uncertain significance. Review status: criteria provided, multiple submitters, no conflicts (2 of 4 stars). 2 submissions from 2 submitters: Uncertain significance (2). Last evaluated 2025-08-30.

Conditions:
Inborn genetic diseases. Identifiers: MedGen C0950123, MeSH D030342.

Submissions (2):

Ambry Genetics
Classification: Uncertain significance for Inborn genetic diseases. Last evaluated: 2025-08-30. Review status: criteria provided, single submitter. Criteria: Ambry Variant Classification Scheme 2023. Collection method: clinical testing. Allele origin: germline.

Labcorp Genetics (formerly Invitae), Labcorp
Classification: Uncertain significance. Last evaluated: 2022-05-21. Review status: criteria provided, single submitter. Criteria: Invitae Variant Classification Sherloc (09022015). Collection method: clinical testing. Allele origin: germline.
Comment: This variant is present in population databases (no rsID available, gnomAD 0.01%). In summary, the available evidence is currently insufficient to determine the role of this variant in disease. Therefore, it has been classified as a Variant of Uncertain Significance. Algorithms developed to predict the effect of missense changes on protein structure and function are either unavailable or do not agree on the potential impact of this missense change (SIFT: "Not Available"; PolyPhen-2: "Possibly Damaging"; Align-GVGD: "Not Available"). This variant has not been reported in the literature in individuals affected with UNC80-related conditions. This sequence change replaces methionine, which is neutral and non-polar, with leucine, which is neutral and non-polar, at codon 1662 of the UNC80 protein (p.Met1662Leu).

NM_001371986.1(UNC80):c.5182A>C (p.Met1728Leu)

Genes: UNC80 (unc-80 subunit of NALCN channel complex; plus strand), LOC126806490 (P300/CBP strongly-dependent group 1 enhancer GRCh37_chr2:210782411-210783610; plus strand). Cytogenetic location: 2q34.
Variant type: single nucleotide variant.
Coding change: c.5182A>C on transcript NM_001371986.1 (MANE Select); coding-DNA position 5182, A replaced by C.
Protein change: p.Met1728Leu; replaces methionine 1728 with leucine.
Molecular consequence: missense variant.
Genome position (GRCh38, 1-based): chr2:209,917,929, A>C. VCF-style: chr2-209917929-A-C. GRCh37 (hg19) VCF-style: chr2-210782653-A-C.
Other names: c.4984A>C (NM_032504.1); c.4984A>C, p.Met1662Leu (NM_032504.2); c.4969A>C, p.Met1657Leu (NM_182587.4); short protein forms M1657L, M1662L, M1728L.
Identifiers: ClinVar variation 1915118 (VCV001915118.6), dbSNP rs933619857, ClinGen allele CA65040201.
Genomic context (GRCh38, chr2:209,917,929, plus strand): 5'-CTGAACGCTGTCCTCAAGTTCCACACGCTCTGGAGGTTTCGCTATCAGGTCTGGCCCCGG[A>C]TGGAGGAAGGGGCACAGCAGATTTTTAAGGTGAGGGATACTTCTCACAGAGGAGTTACAT-3'
Protein context (NP_001358915.1, residues 1718-1738): WRFRYQVWPR[Met1728Leu]EEGAQQIFKI